The following is an entry in ClinVar:

ClinVar aggregate classification (germline): Uncertain significance (1 of 4 stars; one submission).

Submission:

Labcorp Genetics (formerly Invitae), Labcorp
Classification: Uncertain significance. Last evaluated: 2022-09-30. Review status: criteria provided, single submitter. Criteria: Invitae Variant Classification Sherloc (09022015). Collection method: clinical testing. Allele origin: germline.
Comment: In summary, the available evidence is currently insufficient to determine the role of this variant in disease. Therefore, it has been classified as a Variant of Uncertain Significance. This sequence change replaces glutamine, which is neutral and polar, with arginine, which is basic and polar, at codon 106 of the VPS13A protein (p.Gln106Arg). This variant is not present in population databases (gnomAD no frequency). This variant has not been reported in the literature in individuals affected with VPS13A-related conditions. Algorithms developed to predict the effect of missense changes on protein structure and function are either unavailable or do not agree on the potential impact of this missense change (SIFT: "Tolerated"; PolyPhen-2: "Probably Damaging"; Align-GVGD: "Class C0").

NM_033305.3(VPS13A):c.317A>G (p.Gln106Arg)

Gene: VPS13A (vacuolar protein sorting 13 homolog A; plus strand). Cytogenetic location: 9q21.2.
Variant type: single nucleotide variant.
Coding change: c.317A>G on transcript NM_033305.3 (MANE Select); coding-DNA position 317, A replaced by G.
Protein change: p.Gln106Arg; replaces glutamine 106 with arginine.
Molecular consequence: missense variant.
Genome position (GRCh38, 1-based): chr9:77,206,011, A>G. VCF-style: chr9-77206011-A-G. GRCh37 (hg19) VCF-style: chr9-79820927-A-G.
Other names: c.317A>G, p.Gln106Arg (NM_001018037.2, NM_001018038.3, NM_015186.4); short protein forms Q106R.
Identifiers: ClinVar variation 2004104 (VCV002004104.4), dbSNP rs2537538992, ClinGen allele CA373841933.